The following is an entry in ClinVar:

ClinVar aggregate classification (germline): Uncertain significance (1 of 4 stars; one submission).

Conditions:
Hereditary cancer-predisposing syndrome. Also called: Neoplastic Syndromes, Hereditary; Tumor predisposition; Hereditary Cancer Syndrome; Hereditary neoplastic syndrome. Identifiers: Orphanet 140162, MedGen C0027672, MeSH D009386, MONDO:0015356.

Submission:

Ambry Genetics
Classification: Uncertain significance for Hereditary cancer-predisposing syndrome. Last evaluated: 2026-02-28. Review status: criteria provided, single submitter. Criteria: Ambry Variant Classification Scheme 2023. Collection method: clinical testing. Allele origin: germline.
Comment: The p.K88I variant (also known as c.263A>T), located in coding exon 3 of the FANCC gene, results from an A to T substitution at nucleotide position 263. The lysine at codon 88 is replaced by isoleucine, an amino acid with dissimilar properties. This amino acid position is conserved. In addition, this alteration is predicted to be tolerated by in silico analysis. Based on the available evidence, the clinical significance of this variant remains unclear.

NM_000136.3(FANCC):c.263A>T (p.Lys88Ile)

Gene: FANCC (FA complementation group C; minus strand). Cytogenetic location: 9q22.32.
Variant type: single nucleotide variant.
Coding change: c.263A>T on transcript NM_000136.3 (MANE Select); coding-DNA position 263, A replaced by T.
Protein change: p.Lys88Ile; replaces lysine 88 with isoleucine.
Molecular consequence: missense variant.
Genome position (GRCh38, 1-based): chr9:95,240,731, T>A on the plus strand (A>T on the coding strand, the complement: FANCC is on the minus strand). VCF-style: chr9-95240731-T-A. GRCh37 (hg19) VCF-style: chr9-98003013-T-A.
Other names: c.263A>T, p.Lys88Ile (NM_001243743.2, NM_001243744.2); short protein forms K88I.
Identifiers: ClinVar variation 4826734 (VCV004826734.1).